The following is an entry in ClinVar:

ClinVar aggregate classification (germline): Pathogenic. Review status: criteria provided, single submitter (1 of 4 stars). 2 submissions from 2 submitters: Pathogenic (1). 1 of the submissions does not count toward it. Last evaluated 2023-11-20.

Conditions:
Testosterone 17-beta-dehydrogenase deficiency. Also called: 17 alpha ketosteroid reductase deficiency of testis; 17 alpha KSR deficiency; Neutral 17 beta hydroxysteroid oxidoreductase deficiency; Male pseudoherma-phroditism with gynecomastia; 46,XY disorder of sex development due to 17-beta-hydroxysteroid dehydrogenase 3 deficiency; Pseudohermaphroditism male with gynecomastia. Identifiers: Orphanet 752, MedGen C0268296, MONDO:0009916, OMIM 264300. Disease mechanism: loss of function.

Submissions (2):

Clinical Biochemistry Laboratory, Health Services Laboratory
Classification: Pathogenic for Testosterone 17-beta-dehydrogenase deficiency. Last evaluated: 2023-11-20. Review status: criteria provided, single submitter. Criteria: ACMG Guidelines, 2015. Collection method: clinical testing. Allele origin: germline. Affected: yes.
Comment: ACMG:PS3 PM1 PM2 PP2 PP5

OMIM
Classification: Pathogenic for 17-BETA HYDROXYSTEROID DEHYDROGENASE III DEFICIENCY. Last evaluated: 2001-02-01. Review status: no assertion criteria provided. Collection method: literature only. Allele origin: germline. Not counted in ClinVar's aggregate classification.

Literature cited by the submitters: PubMed 11158067 (cited by OMIM).

NM_000197.2(HSD17B3):c.803G>A (p.Cys268Tyr)

Genes: SLC35D2-HSD17B3 (SLC35D2-HSD17B3 readthrough; minus strand), HSD17B3 (hydroxysteroid 17-beta dehydrogenase 3; minus strand). Cytogenetic location: 9q22.32.
Variant type: single nucleotide variant.
Coding change: c.803G>A on transcript NM_000197.2 (MANE Select); coding-DNA position 803, G replaced by A.
Protein change: p.Cys268Tyr; replaces cysteine 268 with tyrosine.
Molecular consequence: missense variant.
Genome position (GRCh38, 1-based): chr9:96,240,777, C>T on the plus strand (G>A on the coding strand, the complement: HSD17B3 is on the minus strand). VCF-style: chr9-96240777-C-T. GRCh37 (hg19) VCF-style: chr9-99003059-C-T.
Other names: c.803G>A (NM_000197.1); short protein forms C268Y.
Identifiers: ClinVar variation 4881 (VCV000004881.2), dbSNP rs119481080, ClinGen allele CA117117.
Genomic context (GRCh38, chr9:96,240,777, plus strand): 5'-CTCCCTCCCTGGCTTCAAGAAAAGGAGAAGTTATCAATTACCAAGATTTCATGGGCAAGG[C>T]AGCCACAGGTTTCACCTCCAATTGTGACATAATTCAATGACTCTTTGACAAACTCATCAG-3'
Protein context (NP_000188.1, residues 258-278): YVTIGGETCG[Cys268Tyr]LAHEILAGFL